The following is an entry in ClinVar:

NC_000006.11:g.(?_35430556)_(35434122_?)del

Gene: FANCE (FA complementation group E; plus strand). Cytogenetic location: 6p21.31.
Variant type: Deletion.
Identifiers: ClinVar variation 1064323 (VCV001064323.6).

ClinVar aggregate classification (germline): Uncertain significance (1 of 4 stars; one submission).

Conditions:
Fanconi anemia complementation group E (FANCE). Also called: FANCE-Related Fanconi Anemia. Identifiers: Orphanet 84, MedGen C3160739, MONDO:0010953, OMIM 600901.

Submission:

Labcorp Genetics (formerly Invitae), Labcorp
Classification: Uncertain significance for Fanconi anemia complementation group E. Last evaluated: 2022-06-20. Review status: criteria provided, single submitter. Criteria: Invitae Variant Classification Sherloc (09022015). Collection method: clinical testing. Allele origin: germline.
Comment: In summary, the available evidence is currently insufficient to determine the role of this variant in disease. Therefore, it has been classified as a Variant of Uncertain Significance. Experimental studies and prediction algorithms are not available or were not evaluated, and the functional significance of this variant is currently unknown. This variant has not been reported in the literature in individuals affected with FANCE-related conditions. This variant is a gross deletion of the genomic region encompassing exon(s) 9-10 of the FANCE gene, which includes the termination codon. This deletion extends beyond the assayed region for this gene and therefore may encompass additional genes. While this deletion is not anticipated to lead to nonsense mediated decay, it is expected to alter mRNA translation or result in a truncated protein product.